The following is an entry in ClinVar:

NM_002383.4(MAZ):c.1335A>G (p.Ala445=)

Genes: MAZ (MYC associated zinc finger protein; plus strand), MVP-DT (MVP divergent transcript; minus strand). Cytogenetic location: 16p11.2.
Variant type: single nucleotide variant.
Coding change: c.1335A>G on transcript NM_002383.4 (MANE Select); coding-DNA position 1335, A replaced by G.
Protein change: p.Ala445=; no amino-acid change (alanine 445 retained).
Molecular consequence: synonymous variant. On other transcripts: non-coding transcript variant (2), 3 prime UTR variant (1).
Genome position (GRCh38, 1-based): chr16:29,810,132, A>G. VCF-style: chr16-29810132-A-G. GRCh37 (hg19) VCF-style: chr16-29821453-A-G.
Other names: c.*78A>G (NM_001042539.3); c.1266A>G, p.Ala422= (NM_001276275.2); c.420A>G, p.Ala140= (NM_001276276.2).
Identifiers: ClinVar variation 2646369 (VCV002646369.24), dbSNP rs370120877, ClinGen allele CA7994289.

ClinVar aggregate classification (germline): Likely benign (1 of 4 stars; one submission).

Allele frequency attached by ClinVar (database versions not stated): ESP Exome Variant Server 0.00076; gnomAD 0.00077; ExAC 0.00111; 1000 Genomes Project 0.00140.
gnomAD v4.1: 1,599 of 1,607,766 alleles (0.099%); highest among the groups gnomAD compares: East Asian, 0.36%; 2 homozygotes.

Submission:

CeGaT Center for Human Genetics Tuebingen
Classification: Likely benign. Last evaluated: 2022-12-01. Review status: criteria provided, single submitter. Criteria: CeGaT Center For Human Genetics Tuebingen Variant Classification Criteria Version 2. Collection method: clinical testing. Allele origin: germline. Affected: yes. Observed: 1 variant allele.
Comment: MAZ: BP4, BP7